The following is an entry in ClinVar:

NM_014946.4(SPAST):c.1232T>G (p.Leu411Ter)

Gene: SPAST (spastin; plus strand). Cytogenetic location: 2p22.3.
Variant type: single nucleotide variant.
Coding change: c.1232T>G on transcript NM_014946.4 (MANE Select); coding-DNA position 1232, T replaced by G.
Protein change: p.Leu411Ter; replaces leucine 411 with a stop codon.
Molecular consequence: nonsense.
Genome position (GRCh38, 1-based): chr2:32,128,466, T>G. VCF-style: chr2-32128466-T-G. GRCh37 (hg19) VCF-style: chr2-32353535-T-G.
Other names: c.1229T>G, p.Leu410Ter (NM_001363823.2); c.1133T>G, p.Leu378Ter (NM_001363875.2); c.1136T>G, p.Leu379Ter (NM_001377959.1, NM_199436.2); short protein forms L379*, L410*, L411*, L378*.
Identifiers: ClinVar variation 3721537 (VCV003721537.2).

ClinVar aggregate classification (germline): Pathogenic (1 of 4 stars; one submission).

Conditions:
Hereditary spastic paraplegia 4. Also called: Spastic paraplegia 4, autosomal dominant; Spastic Paraplegia 4; Familial spastic paraplegia autosomal dominant 2. Identifiers: Orphanet 100985, MedGen C1866855, MONDO:0008438, OMIM 182601.

Submission:

Labcorp Genetics (formerly Invitae), Labcorp
Classification: Pathogenic for Hereditary spastic paraplegia 4. Last evaluated: 2024-09-25. Review status: criteria provided, single submitter. Criteria: Invitae Variant Classification Sherloc (09022015). Collection method: clinical testing. Allele origin: germline.
Comment: This sequence change creates a premature translational stop signal (p.Leu411*) in the SPAST gene. It is expected to result in an absent or disrupted protein product. Loss-of-function variants in SPAST are known to be pathogenic (PMID: 20932283). This variant is not present in population databases (gnomAD no frequency). This variant has not been reported in the literature in individuals affected with SPAST-related conditions. For these reasons, this variant has been classified as Pathogenic.

Literature cited by the submitters: PubMed 20932283.